The following is an entry in ClinVar:

NM_001999.4(FBN2):c.7058G>A (p.Arg2353His)

Gene: FBN2 (fibrillin 2; minus strand). Cytogenetic location: 5q23.3.
Variant type: single nucleotide variant.
Coding change: c.7058G>A on transcript NM_001999.4 (MANE Select); coding-DNA position 7058, G replaced by A.
Protein change: p.Arg2353His; replaces arginine 2353 with histidine.
Molecular consequence: missense variant.
Genome position (GRCh38, 1-based): chr5:128,280,272, C>T on the plus strand (G>A on the coding strand, the complement: FBN2 is on the minus strand). VCF-style: chr5-128280272-C-T. GRCh37 (hg19) VCF-style: chr5-127615964-C-T.
Other names: short protein forms R2353H.
Identifiers: ClinVar variation 411818 (VCV000411818.17), dbSNP rs775905979, ClinGen allele CA3394227.

ClinVar aggregate classification (germline): Conflicting classifications of pathogenicity. Review status: criteria provided, conflicting classifications (1 of 4 stars). 3 submissions from 3 submitters: Uncertain significance (2); Likely benign (1). Last evaluated 2025-12-28.

Conditions:
Congenital contractural arachnodactyly (CCA). Also called: BEALS SYNDROME; Arthrogryposis, distal, type 9; Beals-Hecht syndrome. Identifiers: Orphanet 115, MedGen C0220668, MONDO:0007363, OMIM 121050.
Familial thoracic aortic aneurysm and aortic dissection (TAAD). Also called: Thoracic aortic aneurysms and dissections. Identifiers: Orphanet 91387, MedGen C4707243, MONDO:0019625.

Allele frequency attached by ClinVar (database versions not stated): TOPMed below 0.00001; gnomAD 0.00001; gnomAD exomes 0.00001; ExAC 0.00002.
gnomAD v4.1: 15 of 1,611,010 alleles (0.00093%); highest among the groups gnomAD compares: African/African-American, 0.0013%; no homozygotes.

Submissions (3):

Labcorp Genetics (formerly Invitae), Labcorp
Classification: Likely benign for Congenital contractural arachnodactyly. Last evaluated: 2025-12-28. Review status: criteria provided, single submitter. Criteria: Invitae Variant Classification Sherloc (09022015). Collection method: clinical testing. Allele origin: germline.

Ambry Genetics
Classification: Uncertain significance for Familial thoracic aortic aneurysm and aortic dissection. Last evaluated: 2025-09-08. Review status: criteria provided, single submitter. Criteria: Ambry Variant Classification Scheme 2023. Collection method: clinical testing. Allele origin: germline.
Comment: The p.R2353H variant (also known as c.7058G>A), located in coding exon 56 of the FBN2 gene, results from a G to A substitution at nucleotide position 7058. The arginine at codon 2353 is replaced by histidine, an amino acid with highly similar properties. This amino acid position is highly conserved in available vertebrate species. In addition, this alteration is predicted to be deleterious by in silico analysis. Based on the available evidence, the clinical significance of this variant remains unclear.

ARUP Laboratories, Molecular Genetics and Genomics, ARUP Laboratories
Classification: Uncertain significance. Last evaluated: 2019-03-26. Review status: criteria provided, single submitter. Criteria: ARUP Molecular Germline Variant Investigation Process. Collection method: clinical testing. Allele origin: germline.
Comment: The FBN2 c.7058G>A; p.Arg2353His variant (rs775905979), to our knowledge, is not reported in the medical literature but is reported in ClinVar (Variation ID: 411818). This variant is only observed on 3 out of 250,820 allele in the Genome Aggregation Database, indicating it is not a common polymorphism. The arginine at codon 2353 is moderately conserved, and computational analyses (SIFT, PolyPhen-2) predict conflicting effects of this variant on protein structure/function. Due to limited information, the clinical significance of the p.Arg2353His variant is uncertain at this time.